The following is an entry in ClinVar:

NM_000732.6(CD3D):c.407-2A>G

Gene: CD3D (CD3 delta subunit of T-cell receptor complex; minus strand). Cytogenetic location: 11q23.3.
Variant type: single nucleotide variant.
Coding change: c.407-2A>G on transcript NM_000732.6 (MANE Select); the canonical splice acceptor site of the intron before coding-DNA position 407, A replaced by G.
Molecular consequence: splice acceptor variant.
Genome position (GRCh38, 1-based): chr11:118,339,496, T>C on the plus strand (A>G on the coding strand, the complement: CD3D is on the minus strand). VCF-style: chr11-118339496-T-C. GRCh37 (hg19) VCF-style: chr11-118210211-T-C.
Other names: c.275-2A>G (NM_001040651.2).
Identifiers: ClinVar variation 1468778 (VCV001468778.7), dbSNP rs1341165259, ClinGen allele CA382787972.
Genomic context (GRCh38, chr11:118,339,496, plus strand): 5'-CCCCTCAACGCTCACCTGATAGACCTGGTCATTCCTCAACAGAGCTTGTGTGTCGGCAGC[T>C]AGAAGAACCAGAGAGAGACATCAATGGCCTAGCAGATGGGACTGTGAGATCCACCCTCCC-3'

ClinVar aggregate classification (germline): Likely pathogenic. Review status: criteria provided, multiple submitters, no conflicts (2 of 4 stars). 2 submissions from 2 submitters: Likely pathogenic (2). Last evaluated 2026-01-21.

Conditions:
Immunodeficiency 19 (IMD19). Also called: CD3-DELTA DEFICIENCY; SEVERE COMBINED IMMUNODEFICIENCY, T CELL-NEGATIVE, B CELL-POSITIVE, NK CELL-POSITIVE; SCID, T CELL-NEGATIVE, B CELL-POSITIVE, NK CELL-POSITIVE; IMMUNODEFICIENCY 19, SEVERE COMBINED. Identifiers: MedGen C3810147, MONDO:0014280, OMIM 615617.

Allele frequency attached by ClinVar (database versions not stated): gnomAD exomes 0.00001; TOPMed 0.00001.
gnomAD v4.1: 5 of 1,614,040 alleles (0.00031%); highest among the groups gnomAD compares: Non-Finnish European, 0.00042%; no homozygotes.

Submissions (2):

Labcorp Genetics (formerly Invitae), Labcorp
Classification: Likely pathogenic for Immunodeficiency 19. Last evaluated: 2026-01-21. Review status: criteria provided, single submitter. Criteria: Invitae Variant Classification Sherloc (09022015). Collection method: clinical testing. Allele origin: germline.
Comment: This sequence change affects an acceptor splice site in intron 3 of the CD3D gene. It is expected to disrupt RNA splicing. Variants that disrupt the donor or acceptor splice site typically lead to a loss of protein function (PMID: 16199547), and loss-of-function variants in CD3D are known to be pathogenic (PMID: 14602880, 15546002). This variant is present in population databases (no rsID available, gnomAD 0.003%). This variant has not been reported in the literature in individuals affected with CD3D-related conditions. ClinVar contains an entry for this variant (Variation ID: 1468778). Algorithms developed to predict the effect of sequence changes on RNA splicing suggest that this variant may disrupt the consensus splice site. In summary, the currently available evidence indicates that the variant is pathogenic, but additional data are needed to prove that conclusively. Therefore, this variant has been classified as Likely Pathogenic.

Fulgent Genetics
Classification: Likely pathogenic for Immunodeficiency 19. Last evaluated: 2022-02-10. Review status: criteria provided, single submitter. Criteria: ACMG Guidelines, 2015. Collection method: clinical testing. Allele origin: unknown.

Literature cited by the submitters: PubMed 16199547 (cited by Labcorp Genetics (formerly Invitae), Labcorp); PubMed 14602880 (cited by Labcorp Genetics (formerly Invitae), Labcorp); PubMed 15546002 (cited by Labcorp Genetics (formerly Invitae), Labcorp).